The following is an entry in ClinVar:

ClinVar aggregate classification (germline): Uncertain significance. Review status: criteria provided, multiple submitters, no conflicts (2 of 4 stars). 3 submissions from 3 submitters: Uncertain significance (3). Last evaluated 2025-08-21.

Conditions:
Inborn genetic diseases. Identifiers: MedGen C0950123, MeSH D030342.
Nephronophthisis. Also called: Juvenile Nephronophthisis. Identifiers: Orphanet 655, MedGen C0687120, MONDO:0019005, HP:0000090.
Nephronophthisis 4 (NPHP4). Also called: NEPHRONOPHTHISIS 4, JUVENILE. Identifiers: Orphanet 655, MedGen C1847013, MONDO:0011752, OMIM 606966.
Senior-Loken syndrome 4 (SLSN4). Identifiers: Orphanet 3156, MedGen C1846979, MONDO:0011756, OMIM 606996.

Allele frequency attached by ClinVar (database versions not stated): gnomAD 0.00001; ExAC 0.00002; gnomAD exomes 0.00002 and 0.00004; TOPMed 0.00002.
gnomAD v4.1: 61 of 1,614,034 alleles (0.0038%); highest among the groups gnomAD compares: South Asian, 0.0077%; no homozygotes.

Submissions (3):

Labcorp Genetics (formerly Invitae), Labcorp
Classification: Uncertain significance for Nephronophthisis. Last evaluated: 2025-08-21. Review status: criteria provided, single submitter. Criteria: Invitae Variant Classification Sherloc (09022015). Collection method: clinical testing. Allele origin: germline.
Comment: This sequence change replaces threonine, which is neutral and polar, with methionine, which is neutral and non-polar, at codon 679 of the NPHP4 protein (p.Thr679Met). This variant is present in population databases (rs780615948, gnomAD 0.006%). This variant has not been reported in the literature in individuals affected with NPHP4-related conditions. ClinVar contains an entry for this variant (Variation ID: 1010865). Invitae Evidence Modeling of protein sequence and biophysical properties (such as structural, functional, and spatial information, amino acid conservation, physicochemical variation, residue mobility, and thermodynamic stability) indicates that this missense variant is expected to disrupt NPHP4 protein function with a positive predictive value of 80%. In summary, the available evidence is currently insufficient to determine the role of this variant in disease. Therefore, it has been classified as a Variant of Uncertain Significance.

Ambry Genetics
Classification: Uncertain significance for Inborn genetic diseases. Last evaluated: 2024-06-18. Review status: criteria provided, single submitter. Criteria: Ambry Variant Classification Scheme 2023. Collection method: clinical testing. Allele origin: germline.

Fulgent Genetics
Classification: Uncertain significance for Nephronophthisis 4; Senior-Loken syndrome 4. Last evaluated: 2024-04-16. Review status: criteria provided, single submitter. Criteria: ACMG Guidelines, 2015. Collection method: clinical testing. Allele origin: germline.

NM_015102.5(NPHP4):c.2036C>T (p.Thr679Met)

Gene: NPHP4 (nephrocystin 4; minus strand). Cytogenetic location: 1p36.31.
Variant type: single nucleotide variant.
Coding change: c.2036C>T on transcript NM_015102.5 (MANE Select); coding-DNA position 2036, C replaced by T.
Protein change: p.Thr679Met; replaces threonine 679 with methionine.
Molecular consequence: missense variant. On other transcripts: non-coding transcript variant (1).
Genome position (GRCh38, 1-based): chr1:5,904,724, G>A on the plus strand (C>T on the coding strand, the complement: NPHP4 is on the minus strand). VCF-style: chr1-5904724-G-A. GRCh37 (hg19) VCF-style: chr1-5964784-G-A.
Other names: c.2036C>T (NM_015102.3); c.497C>T, p.Thr166Met (NM_001291593.2); c.500C>T, p.Thr167Met (NM_001291594.2); short protein forms T166M, T167M, T679M.
Identifiers: ClinVar variation 1010865 (VCV001010865.8), dbSNP rs780615948, ClinGen allele CA554294.